The following is an entry in ClinVar:

NM_001271.4(CHD2):c.2505+39C>G

Gene: CHD2 (chromodomain helicase DNA binding protein 2; plus strand). Cytogenetic location: 15q26.1.
Variant type: single nucleotide variant.
Coding change: c.2505+39C>G on transcript NM_001271.4 (MANE Select); 39 bases into the intron after coding-DNA position 2505, C replaced by G.
Molecular consequence: intron variant.
Genome position (GRCh38, 1-based): chr15:92,972,456, C>G. VCF-style: chr15-92972456-C-G. GRCh37 (hg19) VCF-style: chr15-93515686-C-G.
Identifiers: ClinVar variation 1265641 (VCV001265641.5), dbSNP rs148270309, ClinGen allele CA7747992.

ClinVar aggregate classification (germline): Benign. Review status: criteria provided, multiple submitters, no conflicts (2 of 4 stars). 3 submissions from 3 submitters: Benign (3). Last evaluated 2024-07-15.

Allele frequency attached by ClinVar (database versions not stated): ESP Exome Variant Server 0.00054; 1000 Genomes Project 0.01478; 1000 Genomes Project 30x 0.01640; ExAC 0.01414.
gnomAD v4.1: 6,064 of 1,531,928 alleles (0.4%); highest among the groups gnomAD compares: Admixed American, 10%; 332 homozygotes.

Submissions (3):

Unidad de Genómica Garrahan, Hospital de Pediatría Garrahan
Classification: Benign. Last evaluated: 2024-07-15. Review status: criteria provided, single submitter. Criteria: ACMG Guidelines, 2015. Collection method: clinical testing. Allele origin: germline. Affected: no. Observed: 28 variant alleles.
Comment: This variant is classified as Benign based on local population frequency. This variant was detected in 30% of patients studied in a panel designed for Epileptic and Developmental Encephalopathy and Progressive Myoclonus Epilepsy. Number of patients: 28. Only high quality variants are reported.

GeneDx
Classification: Benign. Last evaluated: 2018-06-25. Review status: criteria provided, single submitter. Criteria: GeneDx Variant Classification Process June 2021. Collection method: clinical testing. Allele origin: germline. Affected: yes.

Breakthrough Genomics
Classification: Benign. Review status: criteria provided, single submitter. Criteria: ACMG Guidelines, 2015. Collection method: not provided. Allele origin: germline. Inheritance: Autosomal dominant inheritance. Affected: yes.